The following is an entry in ClinVar:

NM_198253.3(TERT):c.2291C>G (p.Ser764Cys)

Gene: TERT (telomerase reverse transcriptase; minus strand). Cytogenetic location: 5p15.33.
Variant type: single nucleotide variant.
Coding change: c.2291C>G on transcript NM_198253.3 (MANE Select); coding-DNA position 2291, C replaced by G.
Protein change: p.Ser764Cys; replaces serine 764 with cysteine.
Molecular consequence: missense variant.
Genome position (GRCh38, 1-based): chr5:1,272,276, G>C on the plus strand (C>G on the coding strand, the complement: TERT is on the minus strand). VCF-style: chr5-1272276-G-C. GRCh37 (hg19) VCF-style: chr5-1272391-G-C.
Other names: c.2291C>G, p.Ser764Cys (NM_001193376.3); short protein forms S764C.
Identifiers: ClinVar variation 1371011 (VCV001371011.6), dbSNP rs1749100396, ClinGen allele CA359076496.

ClinVar aggregate classification (germline): Uncertain significance (1 of 4 stars; one submission).

Conditions:
Dyskeratosis congenita, autosomal dominant 2. Identifiers: MedGen C3151443, MONDO:0013521, OMIM 613989.
Idiopathic Pulmonary Fibrosis. Also called: Idiopathic fibrosing alveolitis, chronic form; idiopathic fibrosing alveolitis. Identifiers: Orphanet 2032, MedGen C1800706, MeSH D054990, MONDO:0800504.

Submission:

Labcorp Genetics (formerly Invitae), Labcorp
Classification: Uncertain significance for Dyskeratosis congenita, autosomal dominant 2; Idiopathic Pulmonary Fibrosis. Last evaluated: 2021-07-30. Review status: criteria provided, single submitter. Criteria: Invitae Variant Classification Sherloc (09022015). Collection method: clinical testing. Allele origin: germline.
Comment: In summary, the available evidence is currently insufficient to determine the role of this variant in disease. Therefore, it has been classified as a Variant of Uncertain Significance. Algorithms developed to predict the effect of sequence changes on RNA splicing suggest that this variant may create or strengthen a splice site. Advanced modeling of protein sequence and biophysical properties (such as structural, functional, and spatial information, amino acid conservation, physicochemical variation, residue mobility, and thermodynamic stability) performed at Invitae indicates that this missense variant is expected to disrupt TERT protein function. This variant has not been reported in the literature in individuals affected with TERT-related conditions. This variant is not present in population databases (ExAC no frequency). This sequence change replaces serine with cysteine at codon 764 of the TERT protein (p.Ser764Cys). The serine residue is moderately conserved and there is a moderate physicochemical difference between serine and cysteine.